The following is an entry in ClinVar:

ClinVar aggregate classification (germline): Uncertain significance (1 of 4 stars; one submission).

Conditions:
Cardiovascular phenotype. Identifiers: MedGen CN230736.

Allele frequency attached by ClinVar (database versions not stated): TOPMed 0.00002.
gnomAD v4.1: 24 of 1,551,574 alleles (0.0015%); highest among the groups gnomAD compares: Non-Finnish European, 0.0021%; no homozygotes.

Submission:

Ambry Genetics
Classification: Uncertain significance for Cardiovascular phenotype. Last evaluated: 2024-12-07. Review status: criteria provided, single submitter. Criteria: Ambry Variant Classification Scheme 2023. Collection method: clinical testing. Allele origin: germline.
Comment: The p.S657C variant (also known as c.1970C>G), located in coding exon 9 of the RBM20 gene, results from a C to G substitution at nucleotide position 1970. The serine at codon 657 is replaced by cysteine, an amino acid with dissimilar properties. This amino acid position is highly conserved in available vertebrate species. In addition, the in silico prediction for this alteration is inconclusive. Since supporting evidence is limited at this time, the clinical significance of this alteration remains unclear.

NM_001134363.3(RBM20):c.1970C>G (p.Ser657Cys)

Gene: RBM20 (RNA binding motif protein 20; plus strand). Cytogenetic location: 10q25.2.
Variant type: single nucleotide variant.
Coding change: c.1970C>G on transcript NM_001134363.3 (MANE Select); coding-DNA position 1970, C replaced by G.
Protein change: p.Ser657Cys; replaces serine 657 with cysteine.
Molecular consequence: missense variant.
Genome position (GRCh38, 1-based): chr10:110,812,367, C>G. VCF-style: chr10-110812367-C-G. GRCh37 (hg19) VCF-style: chr10-112572125-C-G.
Other names: short protein forms S657C.
Identifiers: ClinVar variation 1783611 (VCV001783611.3), dbSNP rs922116966, ClinGen allele CA213223641.